The following is an entry in ClinVar:

NM_001190274.2(FBXO11):c.2398C>T (p.Arg800Trp)

Genes: FBXO11 (F-box protein 11; minus strand), MSH6 (mutS homolog 6; plus strand). Cytogenetic location: 2p16.3.
Variant type: single nucleotide variant.
Coding change: c.2398C>T on transcript NM_001190274.2 (MANE Select); coding-DNA position 2398, C replaced by T.
Protein change: p.Arg800Trp; replaces arginine 800 with tryptophan.
Molecular consequence: missense variant.
Genome position (GRCh38, 1-based): chr2:47,809,648, G>A on the plus strand (C>T on the coding strand, the complement: FBXO11 is on the minus strand). VCF-style: chr2-47809648-G-A. GRCh37 (hg19) VCF-style: chr2-48036787-G-A.
Other names: c.2146C>T, p.Arg716Trp (NM_001374325.1, NM_025133.4); short protein forms R716W, R800W.
Identifiers: ClinVar variation 1304816 (VCV001304816.3), dbSNP rs2104626076, ClinGen allele CA346762728.

ClinVar aggregate classification (germline): Uncertain significance. Review status: criteria provided, multiple submitters, no conflicts (2 of 4 stars). 2 submissions from 2 submitters: Uncertain significance (2). Last evaluated 2025-03-30.

gnomAD v4.1: 2 of 1,613,422 alleles (0.00012%); highest among the groups gnomAD compares: Non-Finnish European, 0.00017%; no homozygotes.

Submissions (2):

Labcorp Genetics (formerly Invitae), Labcorp
Classification: Uncertain significance. Last evaluated: 2025-03-30. Review status: criteria provided, single submitter. Criteria: Invitae Variant Classification Sherloc (09022015). Collection method: clinical testing. Allele origin: germline.
Comment: This sequence change replaces arginine, which is basic and polar, with tryptophan, which is neutral and slightly polar, at codon 800 of the FBXO11 protein (p.Arg800Trp). This variant is not present in population databases (gnomAD no frequency). This variant has not been reported in the literature in individuals affected with FBXO11-related conditions. ClinVar contains an entry for this variant (Variation ID: 1304816). An algorithm developed to predict the effect of missense changes on protein structure and function (PolyPhen-2) suggests that this variant is likely to be disruptive. In summary, the available evidence is currently insufficient to determine the role of this variant in disease. Therefore, it has been classified as a Variant of Uncertain Significance.

GeneDx
Classification: Uncertain significance. Last evaluated: 2019-07-29. Review status: criteria provided, single submitter. Criteria: GeneDx Variant Classification Process June 2021. Collection method: clinical testing. Allele origin: germline. Affected: yes.
Comment: Not observed in large population cohorts (Lek et al., 2016); In silico analysis, which includes protein predictors and evolutionary conservation, supports a deleterious effect; Has not been previously published as pathogenic or benign to our knowledge